The following is an entry in ClinVar:

ClinVar aggregate classification (germline): Likely benign (1 of 4 stars; one submission).

Submission:

CeGaT Center for Human Genetics Tuebingen
Classification: Likely benign. Last evaluated: 2026-09-01. Review status: criteria provided, single submitter. Criteria: CeGaT Center For Human Genetics Tuebingen Variant Classification Criteria Version 2. Collection method: clinical testing. Allele origin: germline. Affected: yes. Observed: 1 variant allele.
Comment: HERC1: PM2:Supporting, BP4, BP7

NM_003922.4(HERC1):c.978G>T (p.Ser326=)

Gene: HERC1 (HECT and RLD domain containing E3 ubiquitin protein ligase family member 1; minus strand). Cytogenetic location: 15q22.31.
Variant type: single nucleotide variant.
Coding change: c.978G>T on transcript NM_003922.4 (MANE Select); coding-DNA position 978, G replaced by T.
Protein change: p.Ser326=; no amino-acid change (serine 326 retained).
Molecular consequence: synonymous variant.
Genome position (GRCh38, 1-based): chr15:63,764,144, C>A on the plus strand (G>T on the coding strand, the complement: HERC1 is on the minus strand). VCF-style: chr15-63764144-C-A. GRCh37 (hg19) VCF-style: chr15-64056343-C-A.
Identifiers: ClinVar variation 5041825 (VCV005041825.1).